The following is an entry in ClinVar:

NM_000505.4(F12):c.-8C>T

Gene: F12 (coagulation factor XII; minus strand). Cytogenetic location: 5q35.3.
Variant type: single nucleotide variant.
Coding change: c.-8C>T on transcript NM_000505.4 (MANE Select); 8 bases upstream of the start codon, C replaced by T.
Molecular consequence: 5 prime UTR variant.
Genome position (GRCh38, 1-based): chr5:177,409,535, G>A on the plus strand (C>T on the coding strand, the complement: F12 is on the minus strand). VCF-style: chr5-177409535-G-A. GRCh37 (hg19) VCF-style: chr5-176836536-G-A.
Identifiers: ClinVar variation 353005 (VCV000353005.7), dbSNP rs369991760, ClinGen allele CA3581664.
Genomic context (GRCh38, chr5:177,409,535, plus strand): 5'-AGTGTTGACTCCAAGCTCACCAGCAGGAACCCCAGGAGCAGCAGAGCCCTCATGGCATCC[G>A]TCCGTTGGTCCAGCTGCCTATCCAGGAGTCCAGATCAATAGGACTGGCCAAAGGTCTTGG-3'

ClinVar aggregate classification (germline): Likely benign. Review status: criteria provided, multiple submitters, no conflicts (2 of 4 stars). 4 submissions from 3 submitters: Likely benign (4). Last evaluated 2024-10-10.

Conditions:
Hereditary angioedema type 3 (HAE3). Also called: HAE WITH NORMAL C1 INHIBITOR CONCENTRATION AND FUNCTION; ANGIONEUROTIC EDEMA, HEREDITARY, WITH NORMAL C1 INHIBITOR CONCENTRATION AND FUNCTION; ESTROGEN-RELATED HAE; ESTROGEN-SENSITIVE HAE. Identifiers: Orphanet 100054, MedGen C1857728, MONDO:0012526, OMIM 610618.
Factor XII deficiency disease. Also called: F12 DEFICIENCY; HAF DEFICIENCY; Congenital factor XII deficiency; Reduced factor XII activity. Identifiers: Orphanet 330, MedGen C0015526, MONDO:0009315, OMIM 234000, HP:0004841.

Allele frequency attached by ClinVar (database versions not stated): 1000 Genomes Project 0.00020; TOPMed 0.00031; gnomAD 0.00032 and 0.00033; gnomAD exomes 0.00043 and 0.00064; ExAC 0.00046; 1000 Genomes Project 30x 0.00047; ESP Exome Variant Server 0.00062.

Submissions (4):

Blueprint Genetics
Classification: Likely benign. Last evaluated: 2024-10-10. Review status: criteria provided, single submitter. Criteria: ACMG Guidelines, 2015. Collection method: clinical testing. Allele origin: germline.

Illumina Laboratory Services, Illumina
Classification: Likely benign for Hereditary angioedema type 3. Last evaluated: 2017-04-27. Review status: criteria provided, single submitter. Criteria: ICSL Variant Classification Criteria 13 December 2019. Collection method: clinical testing. Allele origin: germline.
Comment: This variant was observed as part of a predisposition screen in an ostensibly healthy population. A literature search was performed for the gene, cDNA change, and amino acid change (where applicable). No publications were found based on this search. Allele frequency data from public databases allowed determination this variant is unlikely to cause disease. Therefore, this variant is classified as likely benign.

Illumina Laboratory Services, Illumina
Classification: Likely benign for Factor XII deficiency disease. Last evaluated: 2017-04-27. Review status: criteria provided, single submitter. Criteria: ICSL Variant Classification Criteria 13 December 2019. Collection method: clinical testing. Allele origin: germline.
Comment: This variant was observed as part of a predisposition screen in an ostensibly healthy population. A literature search was performed for the gene, cDNA change, and amino acid change (where applicable). Publications were found based on this search. The evidence from the literature, in combination with allele frequency data from public databases where available, was sufficient to determine this variant is unlikely to cause disease. Therefore, this variant is classified as likely benign.

Breakthrough Genomics
Classification: Likely benign. Review status: criteria provided, single submitter. Criteria: ACMG Guidelines, 2015. Collection method: not provided. Allele origin: germline. Inheritance: Autosomal recessive inheritance. Affected: yes.

Literature cited by the submitters: PubMed 19786295 (cited by Illumina Laboratory Services, Illumina).